The following is an entry in ClinVar:

NM_004539.4(NARS1):c.1376C>G (p.Thr459Ser)

Gene: NARS1 (asparaginyl-tRNA synthetase 1; minus strand). Cytogenetic location: 18q21.31.
Variant type: single nucleotide variant.
Coding change: c.1376C>G on transcript NM_004539.4 (MANE Select); coding-DNA position 1376, C replaced by G.
Protein change: p.Thr459Ser; replaces threonine 459 with serine.
Molecular consequence: missense variant.
Genome position (GRCh38, 1-based): chr18:57,602,819, G>C on the plus strand (C>G on the coding strand, the complement: NARS1 is on the minus strand). VCF-style: chr18-57602819-G-C. GRCh37 (hg19) VCF-style: chr18-55270051-G-C.
Other names: short protein forms T459S.
Identifiers: ClinVar variation 3364073 (VCV003364073.1).

ClinVar aggregate classification (germline): Uncertain significance (1 of 4 stars; one submission).

Submission:

GeneDx
Classification: Uncertain significance. Last evaluated: 2023-11-06. Review status: criteria provided, single submitter. Criteria: GeneDx Variant Classification Process June 2021. Collection method: clinical testing. Allele origin: germline. Affected: yes.
Comment: Not observed at significant frequency in large population cohorts (gnomAD); In silico analysis supports that this missense variant has a deleterious effect on protein structure/function; Has not been previously published as pathogenic or benign to our knowledge; This variant is associated with the following publications: (PMID: 32738225)